The following is an entry in ClinVar:

NM_001036.6(RYR3):c.1472G>C (p.Arg491Pro)

Gene: RYR3 (ryanodine receptor 3; plus strand). Cytogenetic location: 15q14.
Variant type: single nucleotide variant.
Coding change: c.1472G>C on transcript NM_001036.6 (MANE Select); coding-DNA position 1472, G replaced by C.
Protein change: p.Arg491Pro; replaces arginine 491 with proline.
Molecular consequence: missense variant.
Genome position (GRCh38, 1-based): chr15:33,581,542, G>C. VCF-style: chr15-33581542-G-C. GRCh37 (hg19) VCF-style: chr15-33873743-G-C.
Other names: c.1472G>C, p.Arg491Pro (NM_001243996.4); c.1472G>C (NM_001036.3); short protein forms R491P.
Identifiers: ClinVar variation 3898445 (VCV003898445.8).
Genomic context (GRCh38, chr15:33,581,542, plus strand): 5'-ACATTTTCCTCCACTCTCCTTCTCAGGGAATGTTGGCCCTTGTCTTAAATTGCATTGACC[G>C]CTTAAATGTCTACAATAGCGTAGCACACTTTGCAGGGATTGCAAGGGAAGAGAGTGGCAT-3'
Protein context (NP_001027.3, residues 481-501): MLALVLNCID[Arg491Pro]LNVYNSVAHF

ClinVar aggregate classification (germline): Uncertain significance. Review status: criteria provided, multiple submitters, no conflicts (2 of 4 stars). 2 submissions from 2 submitters: Uncertain significance (2). Last evaluated 2025-04-10.

gnomAD v4.1: 14 of 1,613,254 alleles (0.00087%); highest among the groups gnomAD compares: Non-Finnish European, 0.0012%; no homozygotes.

Submissions (2):

Ambry Genetics
Classification: Uncertain significance. Last evaluated: 2025-04-10. Review status: criteria provided, single submitter. Criteria: Ambry Variant Classification Scheme 2023. Collection method: clinical testing. Allele origin: germline.

CeGaT Center for Human Genetics Tuebingen
Classification: Uncertain significance. Last evaluated: 2025-04-01. Review status: criteria provided, single submitter. Criteria: CeGaT Center For Human Genetics Tuebingen Variant Classification Criteria Version 2. Collection method: clinical testing. Allele origin: germline. Affected: yes. Observed: 1 variant allele.
Comment: RYR3: PM2, PP3